The following is an entry in ClinVar:

ClinVar aggregate classification (germline): Uncertain significance. Review status: criteria provided, multiple submitters, no conflicts (2 of 4 stars). 2 submissions from 2 submitters: Uncertain significance (2). Last evaluated 2021-05-04.

Conditions:
Hereditary cancer-predisposing syndrome. Also called: Neoplastic Syndromes, Hereditary; Tumor predisposition; Hereditary Cancer Syndrome; Hereditary neoplastic syndrome. Identifiers: Orphanet 140162, MedGen C0027672, MeSH D009386, MONDO:0015356.

gnomAD v4.1: 4 of 1,614,040 alleles (0.00025%); highest among the groups gnomAD compares: Non-Finnish European, 0.00034%; no homozygotes.

Submissions (2):

Ambry Genetics
Classification: Uncertain significance for Hereditary cancer-predisposing syndrome. Last evaluated: 2021-05-04. Review status: criteria provided, single submitter. Criteria: Ambry Variant Classification Scheme 2023. Collection method: clinical testing. Allele origin: germline.
Comment: The p.R468G variant (also known as c.1402C>G), located in coding exon 4 of the MSH6 gene, results from a C to G substitution at nucleotide position 1402. The arginine at codon 468 is replaced by glycine, an amino acid with dissimilar properties. This variant was reported in 0/60,466 breast cancer cases and in 1/53,461 controls (Dorling et al. N Engl J Med. 2021 02;384:428-439). This amino acid position is highly conserved in available vertebrate species. In addition, this alteration is predicted to be deleterious by in silico analysis. Since supporting evidence is limited at this time, the clinical significance of this alteration remains unclear.

Color Diagnostics, LLC DBA Color Health
Classification: Uncertain significance for Hereditary cancer-predisposing syndrome. Last evaluated: 2019-01-04. Review status: criteria provided, single submitter. Criteria: ACMG Guidelines, 2015. Collection method: clinical testing. Allele origin: germline.

Literature cited by the submitters: PubMed 33471991 (cited by Ambry Genetics).

NM_000179.3(MSH6):c.1402C>G (p.Arg468Gly)

Gene: MSH6 (mutS homolog 6; plus strand). Cytogenetic location: 2p16.3.
Variant type: single nucleotide variant.
Coding change: c.1402C>G on transcript NM_000179.3 (MANE Select); coding-DNA position 1402, C replaced by G.
Protein change: p.Arg468Gly; replaces arginine 468 with glycine.
Molecular consequence: missense variant.
Genome position (GRCh38, 1-based): chr2:47,799,385, C>G. VCF-style: chr2-47799385-C-G. GRCh37 (hg19) VCF-style: chr2-48026524-C-G.
Other names: c.1012C>G, p.Arg338Gly (NM_001281492.2); c.496C>G, p.Arg166Gly (NM_001281493.2, NM_001281494.2); short protein forms R166G, R468G, R338G.
Identifiers: ClinVar variation 924907 (VCV000924907.4), dbSNP rs369456858, ClinGen allele CA346745202.
Genomic context (GRCh38, chr2:47,799,385, plus strand): 5'-GGGCTGGTATTCATGAAAGGCAACTGGGCCCATTCTGGCTTTCCTGAAATTGCATTTGGC[C>G]GTTATTCAGATTCCCTGGTGCAGAAGGGCTATAAAGTAGCACGAGTGGAACAGACTGAGA-3'
Protein context (NP_000170.1, residues 458-478): HSGFPEIAFG[Arg468Gly]YSDSLVQKGY